The following is an entry in ClinVar:

NM_001371986.1(UNC80):c.7782dup (p.Leu2595fs)

Gene: UNC80 (unc-80 subunit of NALCN channel complex; plus strand). Cytogenetic location: 2q34.
Variant type: Duplication.
Coding change: c.7782dup on transcript NM_001371986.1 (MANE Select); coding-DNA position 7782, one base duplicated (G; older notation c.7782dupG).
Protein change: p.Leu2595fs; shifts the reading frame from leucine 2595.
Molecular consequence: frameshift variant.
Genome position (GRCh38, 1-based): chr2:209,959,684, G duplicated. VCF-style (leftmost placement, unchanged base first): chr2-209959683-T-TG. GRCh37 (hg19) VCF-style: chr2-210824407-T-TG.
Other names: c.7584dup, p.Leu2529fs (NM_032504.2); c.7569dup, p.Leu2524fs (NM_182587.4); short protein forms L2524fs, L2595fs, L2529fs.
Identifiers: ClinVar variation 2038989 (VCV002038989.4), dbSNP rs2471205489, ClinGen allele CA2580065510.

ClinVar aggregate classification (germline): Pathogenic (1 of 4 stars; one submission).

Submission:

Labcorp Genetics (formerly Invitae), Labcorp
Classification: Pathogenic. Last evaluated: 2021-12-09. Review status: criteria provided, single submitter. Criteria: Invitae Variant Classification Sherloc (09022015). Collection method: clinical testing. Allele origin: germline.
Comment: For these reasons, this variant has been classified as Pathogenic. This variant has not been reported in the literature in individuals affected with UNC80-related conditions. This variant is not present in population databases (gnomAD no frequency). This sequence change creates a premature translational stop signal (p.Leu2529Alafs*23) in the UNC80 gene. It is expected to result in an absent or disrupted protein product. Loss-of-function variants in UNC80 are known to be pathogenic (PMID: 26545877, 26708751, 26708753).

Literature cited by the submitters: PubMed 26545877; PubMed 26708751; PubMed 26708753.